The following is an entry in ClinVar:

ClinVar aggregate classification (germline): Uncertain significance. Review status: criteria provided, multiple submitters, no conflicts (2 of 4 stars). 2 submissions from 2 submitters: Uncertain significance (2). Last evaluated 2026-02-11.

Allele frequency attached by ClinVar (database versions not stated): gnomAD 0.00040; TOPMed 0.00043; 1000 Genomes Project 30x 0.00047; ESP Exome Variant Server 0.00062; ExAC 0.00034; 1000 Genomes Project 0.00040.
gnomAD v4.1: 1,061 of 1,613,746 alleles (0.066%); highest among the groups gnomAD compares: Non-Finnish European, 0.084%; no homozygotes.

Submissions (2):

Women's Health and Genetics/Laboratory Corporation of America, LabCorp
Classification: Uncertain significance. Last evaluated: 2026-02-11. Review status: criteria provided, single submitter. Criteria: LabCorp Variant Classification Summary - May 2015. Collection method: clinical testing. Allele origin: germline.
Comment: Variant summary: MAN2B2 c.905T>A (p.Met302Lys) results in a non-conservative amino acid change in the encoded protein sequence. Algorithms developed to predict the effect of missense changes on protein structure and function are either unavailable or do not agree on the potential impact of this missense change. The variant allele was found at a frequency of 0.0004 in 251050 control chromosomes. This frequency is not significantly higher than estimated for disease-causing variants in MAN2B2, allowing no conclusion about variant significance. To our knowledge, no occurrence of c.905T>A in individuals affected with MAN2B2-related conditions and no experimental evidence demonstrating its impact on protein function have been reported. ClinVar contains an entry for this variant (Variation ID: 3122548). Based on the evidence outlined above, the variant was classified as uncertain significance.

Ambry Genetics
Classification: Uncertain significance. Last evaluated: 2021-09-16. Review status: criteria provided, single submitter. Criteria: Ambry Variant Classification Scheme 2023. Collection method: clinical testing. Allele origin: germline.

NM_015274.3(MAN2B2):c.905T>A (p.Met302Lys)

Gene: MAN2B2 (mannosidase alpha class 2B member 2; plus strand). Cytogenetic location: 4p16.1.
Variant type: single nucleotide variant.
Coding change: c.905T>A on transcript NM_015274.3 (MANE Select); coding-DNA position 905, T replaced by A.
Protein change: p.Met302Lys; replaces methionine 302 with lysine.
Molecular consequence: missense variant. On other transcripts: intron variant (1).
Genome position (GRCh38, 1-based): chr4:6,594,580, T>A. VCF-style: chr4-6594580-T-A. GRCh37 (hg19) VCF-style: chr4-6596307-T-A.
Other names: c.793-41T>A (NM_001292038.2); short protein forms M302K.
Identifiers: ClinVar variation 3122548 (VCV003122548.2), dbSNP rs149674807, ClinGen allele CA2840744.